The following is an entry in ClinVar:

NM_000038.6(APC):c.5069T>C (p.Ile1690Thr)

Gene: APC (APC regulator of WNT signaling pathway; plus strand). Cytogenetic location: 5q22.2.
Variant type: single nucleotide variant.
Coding change: c.5069T>C on transcript NM_000038.6 (MANE Select); coding-DNA position 5069, T replaced by C.
Protein change: p.Ile1690Thr; replaces isoleucine 1690 with threonine.
Molecular consequence: missense variant. On other transcripts: non-coding transcript variant (2).
Genome position (GRCh38, 1-based): chr5:112,840,663, T>C. VCF-style: chr5-112840663-T-C. GRCh37 (hg19) VCF-style: chr5-112176360-T-C.
Other names: c.5069T>C, p.Ile1690Thr (NM_001127510.3, NM_001354895.2, NM_001407450.1); c.5015T>C, p.Ile1672Thr (NM_001127511.3); c.5123T>C, p.Ile1708Thr (NM_001354896.2, NM_001407447.1, NM_001407448.1 and 1 more transcripts); c.5099T>C, p.Ile1700Thr (NM_001354897.2); c.4994T>C, p.Ile1665Thr (NM_001354898.2); c.4985T>C, p.Ile1662Thr (NM_001354899.2); c.4946T>C, p.Ile1649Thr (NM_001354900.2); c.4892T>C, p.Ile1631Thr (NM_001354901.2, NM_001407453.1); and 11 more; short protein forms I1306T, I1407T, I1530T, I1561T, I1564T, I1589T, I1599T, I1607T.
Identifiers: ClinVar variation 3766791 (VCV003766791.1).
Genomic context (GRCh38, chr5:112,840,663, plus strand): 5'-CTGCTGGAGAAGGAGTTAGAGGAGGGGCACAGTCAGGTGAATTTGAAAAACGAGATACCA[T>C]TCCTACAGAAGGCAGAAGTACAGATGAGGCTCAAGGAGGAAAAACCTCATCTGTAACCAT-3'
Protein context (NP_000029.2, residues 1680-1700): QSGEFEKRDT[Ile1690Thr]PTEGRSTDEA

ClinVar aggregate classification (germline): Uncertain significance (1 of 4 stars; one submission).

Submission:

ARUP Laboratories, Molecular Genetics and Genomics, ARUP Laboratories
Classification: Uncertain significance. Last evaluated: 2024-08-19. Review status: criteria provided, single submitter. Criteria: ARUP Molecular Germline Variant Investigation Process 2024. Collection method: clinical testing. Allele origin: germline.
Comment: The APC c.5069T>C; p.Ile1690Thr variant, to our knowledge, is not reported in the medical literature or gene specific databases in APC-related disorders. This variant is also absent from the Genome Aggregation Database (v2.1.1), indicating it is not a common polymorphism. Computational analyses are uncertain whether this variant is neutral or deleterious (REVEL: 0.291). Due to limited information, the clinical significance of this variant is uncertain at this time.